The following is an entry in ClinVar:

ClinVar aggregate classification (germline): Pathogenic (1 of 4 stars; one submission).

Conditions:
RYR1-related disorder. Also called: RYR1-related condition; RYR1-related disorders. Identifiers: MedGen CN239331.

Submission:

Labcorp Genetics (formerly Invitae), Labcorp
Classification: Pathogenic for RYR1-related disorder. Last evaluated: 2022-06-08. Review status: criteria provided, single submitter. Criteria: Invitae Variant Classification Sherloc (09022015). Collection method: clinical testing. Allele origin: germline.
Comment: For these reasons, this variant has been classified as Pathogenic. This variant has not been reported in the literature in individuals affected with RYR1-related conditions. This variant is not present in population databases (gnomAD no frequency). This sequence change creates a premature translational stop signal (p.His3558Thrfs*81) in the RYR1 gene. It is expected to result in an absent or disrupted protein product. Loss-of-function variants in RYR1 are known to be pathogenic (PMID: 20583297, 20839240, 23919265, 28818389).

Literature cited by the submitters: PubMed 20583297; PubMed 20839240; PubMed 23919265; PubMed 28818389.

NM_000540.3(RYR1):c.10671del (p.His3558fs)

Gene: RYR1 (ryanodine receptor 1; plus strand). Cytogenetic location: 19q13.2.
Variant type: Deletion.
Coding change: c.10671del on transcript NM_000540.3 (MANE Select); coding-DNA position 10671, one base deleted (T; older notation c.10671delT).
Protein change: p.His3558fs; shifts the reading frame from histidine 3558.
Molecular consequence: frameshift variant.
Genome position (GRCh38, 1-based): chr19:38,527,037, T deleted; the last of 2 consecutive T bases (chr19:38,527,036-38,527,037); deleting either gives the same sequence. VCF-style (leftmost placement, unchanged base first): chr19-38527035-CT-C. GRCh37 (hg19) VCF-style: chr19-39017675-CT-C.
Other names: c.10656del, p.His3553fs (NM_001042723.2); short protein forms H3553fs, H3558fs.
Identifiers: ClinVar variation 2002861 (VCV002002861.4), dbSNP rs2514485599, ClinGen allele CA2580097191.